The following is an entry in ClinVar:

NM_005051.3(QARS1):c.2068C>T (p.Arg690Cys)

Gene: QARS1 (glutaminyl-tRNA synthetase 1; minus strand). Cytogenetic location: 3p21.31.
Variant type: single nucleotide variant.
Coding change: c.2068C>T on transcript NM_005051.3 (MANE Select); coding-DNA position 2068, C replaced by T.
Protein change: p.Arg690Cys; replaces arginine 690 with cysteine.
Molecular consequence: missense variant. On other transcripts: non-coding transcript variant (1).
Genome position (GRCh38, 1-based): chr3:49,098,369, G>A on the plus strand (C>T on the coding strand, the complement: QARS1 is on the minus strand). VCF-style: chr3-49098369-G-A. GRCh37 (hg19) VCF-style: chr3-49135802-G-A.
Other names: c.2035C>T, p.Arg679Cys (NM_001272073.2); c.2068C>T (NM_005051.1); short protein forms R690C, R679C.
Identifiers: ClinVar variation 374728 (VCV000374728.43), dbSNP rs370934093, ClinGen allele CA2391546.

ClinVar aggregate classification (germline): Uncertain significance. Review status: criteria provided, multiple submitters, no conflicts (2 of 4 stars). 3 submissions from 3 submitters: Uncertain significance (3). Last evaluated 2025-12-09.

Conditions:
Inborn genetic diseases. Identifiers: MedGen C0950123, MeSH D030342.

Allele frequency attached by ClinVar (database versions not stated): gnomAD 0.00003 and 0.00004; gnomAD exomes 0.00003 and 0.00004; TOPMed 0.00003; ExAC 0.00004; ESP Exome Variant Server 0.00015.
gnomAD v4.1: 46 of 1,614,050 alleles (0.0028%); highest among the groups gnomAD compares: Non-Finnish European, 0.0035%; no homozygotes.

Submissions (3):

Ambry Genetics
Classification: Uncertain significance for Inborn genetic diseases. Last evaluated: 2025-12-09. Review status: criteria provided, single submitter. Criteria: Ambry Variant Classification Scheme 2023. Collection method: clinical testing. Allele origin: germline.

Labcorp Genetics (formerly Invitae), Labcorp
Classification: Uncertain significance. Last evaluated: 2021-10-23. Review status: criteria provided, single submitter. Criteria: Invitae Variant Classification Sherloc (09022015). Collection method: clinical testing. Allele origin: germline.
Comment: This sequence change replaces arginine with cysteine at codon 690 of the QARS protein (p.Arg690Cys). The arginine residue is highly conserved and there is a large physicochemical difference between arginine and cysteine. This variant is present in population databases (rs370934093, ExAC 0.02%). This variant has not been reported in the literature in individuals affected with QARS-related conditions. ClinVar contains an entry for this variant (Variation ID: 374728). Algorithms developed to predict the effect of missense changes on protein structure and function (SIFT, PolyPhen-2, Align-GVGD) all suggest that this variant is likely to be disruptive. In summary, the available evidence is currently insufficient to determine the role of this variant in disease. Therefore, it has been classified as a Variant of Uncertain Significance.

CeGaT Center for Human Genetics Tuebingen
Classification: Uncertain significance. Last evaluated: 2016-07-01. Review status: criteria provided, single submitter. Criteria: CeGaT Center For Human Genetics Tuebingen Variant Classification Criteria Version 2. Collection method: clinical testing. Allele origin: germline. Affected: yes. Observed: 1 variant allele.